The following is an entry in ClinVar:

NM_003628.6(PKP4):c.3016T>A (p.Trp1006Arg)

Genes: PKP4 (plakophilin 4; plus strand), PKP4-AS1 (PKP4 antisense RNA 1; minus strand). Cytogenetic location: 2q24.1.
Variant type: single nucleotide variant.
Coding change: c.3016T>A on transcript NM_003628.6 (MANE Select); coding-DNA position 3016, T replaced by A.
Protein change: p.Trp1006Arg; replaces tryptophan 1006 with arginine.
Molecular consequence: missense variant.
Genome position (GRCh38, 1-based): chr2:158,673,889, T>A. VCF-style: chr2-158673889-T-A. GRCh37 (hg19) VCF-style: chr2-159530401-T-A.
Other names: c.3016T>A, p.Trp1006Arg (NM_001005476.4, NM_001377218.1, NM_001377225.1); c.3013T>A, p.Trp1005Arg (NM_001304969.3, NM_001377219.1, NM_001377220.1 and 2 more transcripts); c.1987T>A, p.Trp663Arg (NM_001304970.3); c.3010T>A, p.Trp1004Arg (NM_001377222.1, NM_001377223.1); c.3007T>A, p.Trp1003Arg (NM_001377224.1); short protein forms W1003R, W1004R, W1005R, W1006R, W663R.
Identifiers: ClinVar variation 4862021 (VCV004862021.1).
Genomic context (GRCh38, chr2:158,673,889, plus strand): 5'-TAATGAAATGTCATTATTCATTTTGAGAGGTTTCTTTTTCTCTTAACTCTGCAGGATGGG[T>A]GGAATCAGAACCATTTTATTACACCTGTGTCGACATTGGAGCGAGACCGATTCAAATCAC-3'
Protein context (NP_003619.2, residues 996-1016): DLRSIYKKDG[Trp1006Arg]NQNHFITPVS

ClinVar aggregate classification (germline): Uncertain significance (1 of 4 stars; one submission).

gnomAD v4.1: 1 of 1,602,730 alleles (0.000062%); highest among the groups gnomAD compares: Non-Finnish European, 0.000086%; no homozygotes.

Submission:

Ambry Genetics
Classification: Uncertain significance. Last evaluated: 2026-05-28. Review status: criteria provided, single submitter. Criteria: Ambry Variant Classification Scheme 2023. Collection method: clinical testing. Allele origin: germline.
Comment: The p.W1006R variant (also known as c.3016T>A), located in coding exon 18 of the PKP4 gene, results from a T to A substitution at nucleotide position 3016. The tryptophan at codon 1006 is replaced by arginine, an amino acid with dissimilar properties. This amino acid position is conserved. In addition, this alteration is predicted to be deleterious by in silico analysis. Based on the available evidence, the clinical significance of this variant remains unclear.